The following is an entry in ClinVar:

NM_001286.5(CLCN6):c.595A>G (p.Lys199Glu)

Gene: CLCN6 (chloride voltage-gated channel 6; plus strand). Cytogenetic location: 1p36.22.
Variant type: single nucleotide variant.
Coding change: c.595A>G on transcript NM_001286.5 (MANE Select); coding-DNA position 595, A replaced by G.
Protein change: p.Lys199Glu; replaces lysine 199 with glutamic acid.
Molecular consequence: missense variant. On other transcripts: non-coding transcript variant (1).
Genome position (GRCh38, 1-based): chr1:11,824,500, A>G. VCF-style: chr1-11824500-A-G. GRCh37 (hg19) VCF-style: chr1-11884557-A-G.
Other names: c.529A>G, p.Lys177Glu (NM_001256959.2); short protein forms K177E, K199E.
Identifiers: ClinVar variation 1483526 (VCV001483526.8), dbSNP rs764776408, ClinGen allele CA596157.

ClinVar aggregate classification (germline): Uncertain significance (1 of 4 stars; one submission).

Allele frequency attached by ClinVar (database versions not stated): ExAC 0.00001; gnomAD exomes 0.00001 and 0.00002; TOPMed 0.00002.
gnomAD v4.1: 8 of 1,613,406 alleles (0.0005%); highest among the groups gnomAD compares: Admixed American, 0.013%; no homozygotes.

Submission:

Labcorp Genetics (formerly Invitae), Labcorp
Classification: Uncertain significance. Last evaluated: 2025-12-09. Review status: criteria provided, single submitter. Criteria: Invitae Variant Classification Sherloc (09022015). Collection method: clinical testing. Allele origin: germline.
Comment: This sequence change replaces lysine, which is basic and polar, with glutamic acid, which is acidic and polar, at codon 199 of the CLCN6 protein (p.Lys199Glu). This variant is present in population databases (rs764776408, gnomAD 0.02%). This variant has not been reported in the literature in individuals affected with CLCN6-related conditions. ClinVar contains an entry for this variant (Variation ID: 1483526). An algorithm developed to predict the effect of missense changes on protein structure and function (PolyPhen-2) suggests that this variant is likely to be disruptive. In summary, the available evidence is currently insufficient to determine the role of this variant in disease. Therefore, it has been classified as a Variant of Uncertain Significance.